The following is an entry in ClinVar:

ClinVar aggregate classification (germline): Benign/Likely benign. Review status: criteria provided, multiple submitters, no conflicts (2 of 4 stars). 3 submissions from 3 submitters: Benign (1); Likely benign (1). 1 of the submissions does not count toward it. Last evaluated 2026-01-26.

Conditions:
COL17A1-related disorder. Also called: COL17A1-related condition.
Junctional epidermolysis bullosa, non-Herlitz type. Also called: Adult junctional epidermolysis bullosa; EPIDERMOLYSIS BULLOSA, JUNCTIONAL 1A, INTERMEDIATE; COL17A1-Related Junctional Epidermolysis Bullosa; Epidermolysis bullosa, junctional, non-herlitz type, somatic mosaic revertant; EPIDERMOLYSIS BULLOSA JUNCTIONALIS, DISENTIS TYPE; EPIDERMOLYSIS BULLOSA JUNCTIONALIS, NON-HERLITZ TYPE. Identifiers: Orphanet 251393, Orphanet 79402, Orphanet 79405, Orphanet 89840, MedGen C0268374, MONDO:0009180, OMIM 226650.

Allele frequency attached by ClinVar (database versions not stated): gnomAD exomes 0.00016 and 0.00048; ExAC 0.00067; gnomAD 0.00182 and 0.00193; ESP Exome Variant Server 0.00185; TOPMed 0.00198; 1000 Genomes Project 30x 0.00297; 1000 Genomes Project 0.00300.
gnomAD v4.1: 511 of 1,613,648 alleles (0.032%); highest among the groups gnomAD compares: African/African-American, 0.61%; 1 homozygote.

Submissions (3):

Labcorp Genetics (formerly Invitae), Labcorp
Classification: Benign. Last evaluated: 2026-01-26. Review status: criteria provided, single submitter. Criteria: Invitae Variant Classification Sherloc (09022015). Collection method: clinical testing. Allele origin: germline.

Illumina Laboratory Services, Illumina
Classification: Likely benign for Junctional epidermolysis bullosa, non-Herlitz type. Last evaluated: 2018-01-12. Review status: criteria provided, single submitter. Criteria: ICSL Variant Classification Criteria 13 December 2019. Collection method: clinical testing. Allele origin: germline.
Comment: This variant was observed in the ICSL laboratory as part of a predisposition screen in an ostensibly healthy population. It had not been previously curated by ICSL or reported in the Human Gene Mutation Database (HGMD: prior to June 1st, 2018), and was therefore a candidate for classification through an automated scoring system. Utilizing variant allele frequency, disease prevalence and penetrance estimates, and inheritance mode, an automated score was calculated to assess if this variant is too frequent to cause the disease. Based on the score and internal cut-off values, a variant classified as likely benign is not then subjected to further curation. The score for this variant resulted in a classification of likely benign for this disease.

PreventionGenetics, part of Exact Sciences
Classification: Likely benign for COL17A1-related condition. Last evaluated: 2019-10-28. Review status: no assertion criteria provided. Collection method: clinical testing. Allele origin: germline. Not counted in ClinVar's aggregate classification.
Comment: This variant is classified as likely benign based on ACMG/AMP sequence variant interpretation guidelines (Richards et al. 2015 PMID: 25741868, with internal and published modifications).

NM_000494.4(COL17A1):c.2335+3A>G

Gene: COL17A1 (collagen type XVII alpha 1 chain; minus strand). Cytogenetic location: 10q25.1.
Variant type: single nucleotide variant.
Coding change: c.2335+3A>G on transcript NM_000494.4 (MANE Select); 3 bases into the intron after coding-DNA position 2335, A replaced by G.
Molecular consequence: intron variant.
Genome position (GRCh38, 1-based): chr10:104,047,736, T>C on the plus strand (A>G on the coding strand, the complement: COL17A1 is on the minus strand). VCF-style: chr10-104047736-T-C. GRCh37 (hg19) VCF-style: chr10-105807494-T-C.
Identifiers: ClinVar variation 776538 (VCV000776538.13), dbSNP rs114340599, ClinGen allele CA5678554.